The following is an entry in ClinVar:

NM_001161352.2(KCNMA1):c.733G>C (p.Glu245Gln)

Gene: KCNMA1 (potassium calcium-activated channel subfamily M alpha 1; minus strand). Cytogenetic location: 10q22.3.
Variant type: single nucleotide variant.
Coding change: c.733G>C on transcript NM_001161352.2 (MANE Select); coding-DNA position 733, G replaced by C.
Protein change: p.Glu245Gln; replaces glutamic acid 245 with glutamine.
Molecular consequence: missense variant.
Genome position (GRCh38, 1-based): chr10:77,183,496, C>G on the plus strand (G>C on the coding strand, the complement: KCNMA1 is on the minus strand). VCF-style: chr10-77183496-C-G. GRCh37 (hg19) VCF-style: chr10-78943254-C-G.
Other names: c.733G>C, p.Glu245Gln (NM_001014797.3, NM_001161353.2, NM_001271519.2 and 8 more transcripts); c.571G>C, p.Glu191Gln (NM_001271518.2); c.193G>C, p.Glu65Gln (NM_001322838.2); short protein forms E245Q, E191Q, E65Q.
Identifiers: ClinVar variation 2701244 (VCV002701244.3), dbSNP rs2551802586, ClinGen allele CA377410428.

ClinVar aggregate classification (germline): Uncertain significance (1 of 4 stars; one submission).

Conditions:
Generalized epilepsy-paroxysmal dyskinesia syndrome (PNKD3). Also called: Generalized epilepsy and paroxysmal dyskinesia; Paroxysmal nonkinesigenic dyskinesia, 3, with or without generalized epilepsy. Identifiers: Orphanet 79137, MedGen C5574945, MONDO:0012276, OMIM 609446.

Submission:

Labcorp Genetics (formerly Invitae), Labcorp
Classification: Uncertain significance for Generalized epilepsy-paroxysmal dyskinesia syndrome. Last evaluated: 2023-12-06. Review status: criteria provided, single submitter. Criteria: Invitae Variant Classification Sherloc (09022015). Collection method: clinical testing. Allele origin: germline.
Comment: This sequence change replaces glutamic acid, which is acidic and polar, with glutamine, which is neutral and polar, at codon 245 of the KCNMA1 protein (p.Glu245Gln). This variant is not present in population databases (gnomAD no frequency). This variant has not been reported in the literature in individuals affected with KCNMA1-related conditions. Advanced modeling of protein sequence and biophysical properties (such as structural, functional, and spatial information, amino acid conservation, physicochemical variation, residue mobility, and thermodynamic stability) performed at Invitae indicates that this missense variant is not expected to disrupt KCNMA1 protein function with a negative predictive value of 80%. In summary, the available evidence is currently insufficient to determine the role of this variant in disease. Therefore, it has been classified as a Variant of Uncertain Significance.